The following is an entry in ClinVar:

NM_006019.4(TCIRG1):c.2414+6C>T

Gene: TCIRG1 (T cell immune regulator 1, ATPase H+ transporting V0 subunit a3; plus strand). Cytogenetic location: 11q13.2.
Variant type: single nucleotide variant.
Coding change: c.2414+6C>T on transcript NM_006019.4 (MANE Select); 6 bases into the intron after coding-DNA position 2414, C replaced by T.
Molecular consequence: intron variant.
Genome position (GRCh38, 1-based): chr11:68,050,670, C>T. VCF-style: chr11-68050670-C-T. GRCh37 (hg19) VCF-style: chr11-67818137-C-T.
Other names: c.1520+6C>T (NM_001351059.2); c.1766+6C>T (NM_006053.4).
Identifiers: ClinVar variation 2058368 (VCV002058368.5), dbSNP rs200733900, ClinGen allele CA6147522.

ClinVar aggregate classification (germline): Conflicting classifications of pathogenicity. Review status: criteria provided, conflicting classifications (1 of 4 stars). 3 submissions from 3 submitters: Uncertain significance (2); Likely benign (1). Last evaluated 2025-01-29.

Allele frequency attached by ClinVar (database versions not stated): 1000 Genomes Project 30x 0.00016; ExAC 0.00017; 1000 Genomes Project 0.00020; gnomAD 0.00021; TOPMed 0.00021; ESP Exome Variant Server 0.00023; gnomAD exomes 0.00040.
gnomAD v4.1: 609 of 1,613,292 alleles (0.038%); highest among the groups gnomAD compares: Non-Finnish European, 0.048%; no homozygotes.

Submissions (3):

Labcorp Genetics (formerly Invitae), Labcorp
Classification: Uncertain significance. Last evaluated: 2025-01-29. Review status: criteria provided, single submitter. Criteria: Invitae Variant Classification Sherloc (09022015). Collection method: clinical testing. Allele origin: germline.
Comment: This sequence change falls in intron 19 of the TCIRG1 gene. It does not directly change the encoded amino acid sequence of the TCIRG1 protein. It affects a nucleotide within the consensus splice site. This variant is present in population databases (rs200733900, gnomAD 0.03%). This variant has not been reported in the literature in individuals affected with TCIRG1-related conditions. ClinVar contains an entry for this variant (Variation ID: 2058368). Variants that disrupt the consensus splice site are a relatively common cause of aberrant splicing (PMID: 17576681, 9536098). Algorithms developed to predict the effect of sequence changes on RNA splicing suggest that this variant is not likely to affect RNA splicing. In summary, the available evidence is currently insufficient to determine the role of this variant in disease. Therefore, it has been classified as a Variant of Uncertain Significance.

Women's Health and Genetics/Laboratory Corporation of America, LabCorp
Classification: Uncertain significance. Last evaluated: 2024-11-26. Review status: criteria provided, single submitter. Criteria: LabCorp Variant Classification Summary - May 2015. Collection method: clinical testing. Allele origin: germline.

Blueprint Genetics
Classification: Likely benign. Last evaluated: 2023-10-16. Review status: criteria provided, single submitter. Criteria: ACMG Guidelines, 2015. Collection method: clinical testing. Allele origin: germline.

Literature cited by the submitters: PubMed 17576681 (cited by Labcorp Genetics (formerly Invitae), Labcorp); PubMed 9536098 (cited by Labcorp Genetics (formerly Invitae), Labcorp).